The following is an entry in ClinVar:

ClinVar aggregate classification (germline): Uncertain significance (1 of 4 stars; one submission).

Conditions:
Familial cancer of breast. Also called: Hereditary breast cancer; BREAST CANCER, FAMILIAL; hereditary breast carcinoma. Identifiers: Orphanet 227535, MedGen C0346153, MONDO:0016419, OMIM 114480. Disease mechanism: loss of function.
Fanconi anemia complementation group J. Also called: BRIP1-Related Fanconi Anemia. Identifiers: Orphanet 84, MedGen C1836860, MONDO:0012187, OMIM 609054.

Submission:

Labcorp Genetics (formerly Invitae), Labcorp
Classification: Uncertain significance for Familial cancer of breast; Fanconi anemia complementation group J. Last evaluated: 2022-09-21. Review status: criteria provided, single submitter. Criteria: Invitae Variant Classification Sherloc (09022015). Collection method: clinical testing. Allele origin: germline.
Comment: This variant results in a copy number gain of the genomic region encompassing exon(s) 7-16 of the BRIP1 gene. While the exact position of this variant cannot be determined from the data, sub-genic copy number gains are generally in tandem (PMID: 25640679). This variant is predicted to be in-frame, and likely preserves the integrity of the reading frame. This variant has not been reported in the literature in individuals affected with BRIP1-related conditions. In summary, the available evidence is currently insufficient to determine the role of this variant in disease. Therefore, it has been classified as a Variant of Uncertain Significance.

Literature cited by the submitters: PubMed 25640679.

NC_000017.10:g.(?_59820364)_(59886128_?)dup

Genes: BRIP1 (BRCA1 interacting DNA helicase 1; minus strand), LOC130061360 (ATAC-STARR-seq lymphoblastoid active region 12535; plus strand). Cytogenetic location: 17q23.2.
Variant type: Duplication.
Identifiers: ClinVar variation 663951 (VCV000663951.5).